The following is an entry in ClinVar:

ClinVar aggregate classification (germline): Uncertain significance. Review status: criteria provided, multiple submitters, no conflicts (2 of 4 stars). 2 submissions from 2 submitters: Uncertain significance (2). Last evaluated 2024-04-11.

Conditions:
Ataxia-telangiectasia syndrome (AT). Also called: Ataxia telangiectasia (A-T); LOUIS-BAR SYNDROME; Cerebello-oculocutaneous telangiectasia; Immunodeficiency with ataxia telangiectasia; Ataxia-telangiectasia, complementation group D; AT, COMPLEMENTATION GROUP C. Identifiers: Orphanet 100, MedGen C0004135, MONDO:0008840, OMIM 208900.
Hereditary cancer-predisposing syndrome. Also called: Hereditary neoplastic syndrome; Neoplastic Syndromes, Hereditary; Tumor predisposition; Hereditary Cancer Syndrome. Identifiers: Orphanet 140162, MedGen C0027672, MeSH D009386, MONDO:0015356.

Allele frequency attached by ClinVar (database versions not stated): gnomAD exomes below 0.00001.
gnomAD v4.1: 1 of 1,613,868 alleles (0.000062%); highest among the groups gnomAD compares: Non-Finnish European, 0.000085%; no homozygotes.

Submissions (2):

Ambry Genetics
Classification: Uncertain significance for Hereditary cancer-predisposing syndrome. Last evaluated: 2024-04-11. Review status: criteria provided, single submitter. Criteria: Ambry Variant Classification Scheme 2023. Collection method: clinical testing. Allele origin: germline.
Comment: The p.M2836I variant (also known as c.8508G>A), located in coding exon 57 of the ATM gene, results from a G to A substitution at nucleotide position 8508. The methionine at codon 2836 is replaced by isoleucine, an amino acid with highly similar properties. This amino acid position is well conserved in available vertebrate species. In addition, the in silico prediction for this alteration is inconclusive. Since supporting evidence is limited at this time, the clinical significance of this alteration remains unclear.

Labcorp Genetics (formerly Invitae), Labcorp
Classification: Uncertain significance for Ataxia-telangiectasia syndrome. Last evaluated: 2023-10-09. Review status: criteria provided, single submitter. Criteria: Invitae Variant Classification Sherloc (09022015). Collection method: clinical testing. Allele origin: germline.
Comment: This sequence change replaces methionine, which is neutral and non-polar, with isoleucine, which is neutral and non-polar, at codon 2836 of the ATM protein (p.Met2836Ile). This variant is not present in population databases (gnomAD no frequency). This variant has not been reported in the literature in individuals affected with ATM-related conditions. ClinVar contains an entry for this variant (Variation ID: 1763668). An algorithm developed to predict the effect of missense changes on protein structure and function (PolyPhen-2) suggests that this variant¬†is likely to be tolerated. In summary, the available evidence is currently insufficient to determine the role of this variant in disease. Therefore, it has been classified as a Variant of Uncertain Significance.

NM_000051.4(ATM):c.8508G>A (p.Met2836Ile)

Genes: ATM (ATM serine/threonine kinase; plus strand), C11orf65 (chromosome 11 open reading frame 65; minus strand). Cytogenetic location: 11q22.3.
Variant type: single nucleotide variant.
Coding change: c.8508G>A on transcript NM_000051.4 (MANE Select); coding-DNA position 8508, G replaced by A.
Protein change: p.Met2836Ile; replaces methionine 2836 with isoleucine.
Molecular consequence: missense variant. On other transcripts: intron variant (2).
Genome position (GRCh38, 1-based): chr11:108,345,832, G>A. VCF-style: chr11-108345832-G-A. GRCh37 (hg19) VCF-style: chr11-108216559-G-A.
Other names: c.8508G>A, p.Met2836Ile (NM_001351834.2); c.641-36761C>T (NM_001330368.2); c.695-10540C>T (NM_001351110.2); short protein forms M2836I.
Identifiers: ClinVar variation 1763668 (VCV001763668.4), dbSNP rs2137032109, ClinGen allele CA382518220.